The following is an entry in ClinVar:

ClinVar aggregate classification (germline): Likely pathogenic (1 of 4 stars; one submission).

Conditions:
Nizon-Isidor syndrome. Identifiers: MedGen C5394350, MONDO:0030030, OMIM 618872.

Submission:

Molecular Genetics Laboratory, Motol Hospital
Classification: Likely pathogenic for Nizon-Isidor syndrome. Last evaluated: 2025-11-07. Review status: criteria provided, single submitter. Criteria: ACMG Guidelines, 2015. Collection method: clinical testing. Allele origin: germline. Affected: yes. Observed: 1 variant allele.
Comment: Not present in gnomAD (v4.1.0), dbSNP or ClinVar (PM2). Rare truncating variants affecting the MED12L gene are associated with autosomal dominant "Nizon-Isidor syndrome" (NIZIDS; MIM:618872; PMID:31155615). To conclude, the variant c.5677C>T is classified as likely pathogenic (PM2, PVS1).

Literature cited by the submitters: PubMed 31155615.

NM_001393769.1(MED12L):c.5782C>T (p.Arg1928Ter)

Gene: MED12L (mediator complex subunit 12L; plus strand). Cytogenetic location: 3q25.1.
Variant type: single nucleotide variant.
Coding change: c.5782C>T on transcript NM_001393769.1 (MANE Select); coding-DNA position 5782, C replaced by T.
Protein change: p.Arg1928Ter; replaces arginine 1928 with a stop codon.
Molecular consequence: nonsense.
Genome position (GRCh38, 1-based): chr3:151,394,829, C>T. VCF-style: chr3-151394829-C-T. GRCh37 (hg19) VCF-style: chr3-151112617-C-T.
Other names: c.5677C>T, p.Arg1893Ter (NM_053002.6); short protein forms R1893*, R1928*.
Identifiers: ClinVar variation 4526892 (VCV004526892.1).